The following is an entry in ClinVar:

ClinVar aggregate classification (germline): Uncertain significance. Review status: criteria provided, multiple submitters, no conflicts (2 of 4 stars). 2 submissions from 2 submitters: Uncertain significance (2). Last evaluated 2024-12-15.

Conditions:
Cardiovascular phenotype. Identifiers: MedGen CN230736.
RASopathy. Also called: rasopathies; Noonan spectrum disorder. Identifiers: Orphanet 536391, MedGen C5555857, MONDO:0021060.

Submissions (2):

Ambry Genetics
Classification: Uncertain significance for Cardiovascular phenotype. Last evaluated: 2024-12-15. Review status: criteria provided, single submitter. Criteria: Ambry Variant Classification Scheme 2023. Collection method: clinical testing. Allele origin: germline.
Comment: The p.K685Q variant (also known as c.2053A>C), located in coding exon 13 of the CBL gene, results from an A to C substitution at nucleotide position 2053. The lysine at codon 685 is replaced by glutamine, an amino acid with similar properties. This amino acid position is conserved. In addition, this alteration is predicted to be tolerated by in silico analysis. Based on the available evidence, the clinical significance of this variant remains unclear.

Labcorp Genetics (formerly Invitae), Labcorp
Classification: Uncertain significance for RASopathy. Last evaluated: 2021-02-25. Review status: criteria provided, single submitter. Criteria: Invitae Variant Classification Sherloc (09022015). Collection method: clinical testing. Allele origin: germline.
Comment: This sequence change replaces lysine with glutamine at codon 685 of the CBL protein (p.Lys685Gln). The lysine residue is moderately conserved and there is a small physicochemical difference between lysine and glutamine. This variant is not present in population databases (ExAC no frequency). This variant has not been reported in the literature in individuals with CBL-related conditions. Advanced modeling of protein sequence and biophysical properties (such as structural, functional, and spatial information, amino acid conservation, physicochemical variation, residue mobility, and thermodynamic stability) performed at Invitae indicates that this missense variant is not expected to disrupt CBL protein function. In summary, the available evidence is currently insufficient to determine the role of this variant in disease. Therefore, it has been classified as a Variant of Uncertain Significance.

NM_005188.4(CBL):c.2053A>C (p.Lys685Gln)

Gene: CBL (Cbl proto-oncogene; plus strand). Cytogenetic location: 11q23.3.
Variant type: single nucleotide variant.
Coding change: c.2053A>C on transcript NM_005188.4 (MANE Select); coding-DNA position 2053, A replaced by C.
Protein change: p.Lys685Gln; replaces lysine 685 with glutamine.
Molecular consequence: missense variant.
Genome position (GRCh38, 1-based): chr11:119,296,934, A>C. VCF-style: chr11-119296934-A-C. GRCh37 (hg19) VCF-style: chr11-119167644-A-C.
Other names: c.2053A>C (NM_005188.2); short protein forms K685Q.
Identifiers: ClinVar variation 1375729 (VCV001375729.9), dbSNP rs1555027603, ClinGen allele CA382926463.